The following is an entry in ClinVar:

NM_012431.3(SEMA3E):c.2320G>T (p.Asp774Tyr)

Gene: SEMA3E (semaphorin 3E; minus strand). Cytogenetic location: 7q21.11.
Variant type: single nucleotide variant.
Coding change: c.2320G>T on transcript NM_012431.3 (MANE Select); coding-DNA position 2320, G replaced by T.
Protein change: p.Asp774Tyr; replaces aspartic acid 774 with tyrosine.
Molecular consequence: missense variant.
Genome position (GRCh38, 1-based): chr7:83,367,594, C>A on the plus strand (G>T on the coding strand, the complement: SEMA3E is on the minus strand). VCF-style: chr7-83367594-C-A. GRCh37 (hg19) VCF-style: chr7-82996910-C-A.
Other names: c.2140G>T, p.Asp714Tyr (NM_001178129.2); short protein forms D774Y, D714Y.
Identifiers: ClinVar variation 529136 (VCV000529136.10), dbSNP rs767621375, ClinGen allele CA4321784.

ClinVar aggregate classification (germline): Uncertain significance (1 of 4 stars; one submission).

Conditions:
CHARGE syndrome (CHARGE). Also called: Hittner Hirsch Kreh syndrome; Coloboma, heart anomaly, choanal atresia, retardation, genital and ear anomalies; CHARGE association; Hall-Hittner syndrome; CHARGE ASSOCIATION--COLOBOMA, HEART ANOMALY, CHOANAL ATRESIA, RETARDATION, GENITAL AND EAR ANOMALIES. Identifiers: Orphanet 138, MedGen C0265354, MONDO:0008965.

Allele frequency attached by ClinVar (database versions not stated): ExAC 0.00001; gnomAD exomes 0.00001; TOPMed 0.00001; gnomAD 0.00002.
gnomAD v4.1: 32 of 1,613,930 alleles (0.002%); highest among the groups gnomAD compares: Non-Finnish European, 0.0025%; no homozygotes.

Submission:

Labcorp Genetics (formerly Invitae), Labcorp
Classification: Uncertain significance for CHARGE syndrome. Last evaluated: 2024-05-23. Review status: criteria provided, single submitter. Criteria: Invitae Variant Classification Sherloc (09022015). Collection method: clinical testing. Allele origin: germline.
Comment: This sequence change replaces aspartic acid, which is acidic and polar, with tyrosine, which is neutral and polar, at codon 774 of the SEMA3E protein (p.Asp774Tyr). This variant is present in population databases (rs767621375, gnomAD 0.003%). This variant has not been reported in the literature in individuals affected with SEMA3E-related conditions. ClinVar contains an entry for this variant (Variation ID: 529136). An algorithm developed to predict the effect of missense changes on protein structure and function (PolyPhen-2) suggests that this variant is likely to be tolerated. In summary, the available evidence is currently insufficient to determine the role of this variant in disease. Therefore, it has been classified as a Variant of Uncertain Significance.